The following continues an entry in ClinVar:

NM_004168.4(SDHA):c.822C>T (p.Gly274=)

Gene: SDHA. ClinVar aggregate classification (germline): Conflicting classifications of pathogenicity. Uncertain significance (1); Benign (12); Likely benign (1).

Submissions 24 to 38 of 38:

Dr. Peter K. Rogan Lab, Western University
No classification provided (evidence only). Condition: Sarcoma. Review status: no classification provided. Collection method: in vitro. Allele origin: not applicable. Functional consequence: skipped exon. Not counted in ClinVar's aggregate classification.

Dr. Peter K. Rogan Lab, Western University
No classification provided (evidence only). Condition: Sarcoma. Review status: no classification provided. Collection method: in vitro. Allele origin: not applicable. Functional consequence: skipped exon. Not counted in ClinVar's aggregate classification.

Dr. Peter K. Rogan Lab, Western University
No classification provided (evidence only). Condition: Hepatocellular carcinoma. Review status: no classification provided. Collection method: in vitro. Allele origin: not applicable. Functional consequence: skipped exon. Not counted in ClinVar's aggregate classification.

Dr. Peter K. Rogan Lab, Western University
No classification provided (evidence only). Condition: Nonpapillary renal cell carcinoma. Review status: no classification provided. Collection method: in vitro. Allele origin: not applicable. Functional consequence: skipped exon. Not counted in ClinVar's aggregate classification.

Dr. Peter K. Rogan Lab, Western University
No classification provided (evidence only). Condition: Thymoma. Review status: no classification provided. Collection method: in vitro. Allele origin: not applicable. Functional consequence: skipped exon. Not counted in ClinVar's aggregate classification.

Dr. Peter K. Rogan Lab, Western University
No classification provided (evidence only). Condition: Ovarian serous cystadenocarcinoma. Review status: no classification provided. Collection method: in vitro. Allele origin: not applicable. Functional consequence: retained intron. Not counted in ClinVar's aggregate classification.

Dr. Peter K. Rogan Lab, Western University
No classification provided (evidence only). Condition: Ovarian serous cystadenocarcinoma. Review status: no classification provided. Collection method: in vitro. Allele origin: not applicable. Functional consequence: retained intron. Not counted in ClinVar's aggregate classification.

Dr. Peter K. Rogan Lab, Western University
No classification provided (evidence only). Condition: Ovarian serous cystadenocarcinoma. Review status: no classification provided. Collection method: in vitro. Allele origin: not applicable. Functional consequence: retained intron. Not counted in ClinVar's aggregate classification.

Dr. Peter K. Rogan Lab, Western University
No classification provided (evidence only). Condition: Ovarian serous cystadenocarcinoma. Review status: no classification provided. Collection method: in vitro. Allele origin: not applicable. Functional consequence: retained intron. Not counted in ClinVar's aggregate classification.

Dr. Peter K. Rogan Lab, Western University
No classification provided (evidence only). Condition: Ovarian serous cystadenocarcinoma. Review status: no classification provided. Collection method: in vitro. Allele origin: not applicable. Functional consequence: retained intron. Not counted in ClinVar's aggregate classification.

Dr. Peter K. Rogan Lab, Western University
No classification provided (evidence only). Condition: Ovarian serous cystadenocarcinoma. Review status: no classification provided. Collection method: in vitro. Allele origin: not applicable. Functional consequence: retained intron. Not counted in ClinVar's aggregate classification.

Dr. Peter K. Rogan Lab, Western University
No classification provided (evidence only). Condition: Ovarian serous cystadenocarcinoma. Review status: no classification provided. Collection method: in vitro. Allele origin: not applicable. Functional consequence: retained intron. Not counted in ClinVar's aggregate classification.

Dr. Peter K. Rogan Lab, Western University
No classification provided (evidence only). Condition: Gastric cancer. Review status: no classification provided. Collection method: in vitro. Allele origin: not applicable. Functional consequence: retained intron. Not counted in ClinVar's aggregate classification.

Genome Diagnostics Laboratory, Amsterdam University Medical Center
Classification: Benign. Review status: no assertion criteria provided. Collection method: clinical testing. Allele origin: germline. Affected: yes. Study: VKGL Data-share Consensus. Not counted in ClinVar's aggregate classification.

Joint Genome Diagnostic Labs from Nijmegen and Maastricht, Radboudumc and MUMC+
Classification: Benign. Review status: no assertion criteria provided. Collection method: clinical testing. Allele origin: germline. Affected: yes. Study: VKGL Data-share Consensus. Not counted in ClinVar's aggregate classification.